The following is an entry in ClinVar:

NM_001851.6(COL9A1):c.847C>G (p.Pro283Ala)

Gene: COL9A1 (collagen type IX alpha 1 chain; minus strand). Cytogenetic location: 6q13.
Variant type: single nucleotide variant.
Coding change: c.847C>G on transcript NM_001851.6 (MANE Select); coding-DNA position 847, C replaced by G.
Protein change: p.Pro283Ala; replaces proline 283 with alanine.
Molecular consequence: missense variant. On other transcripts: non-coding transcript variant (1).
Genome position (GRCh38, 1-based): chr6:70,281,419, G>C on the plus strand (C>G on the coding strand, the complement: COL9A1 is on the minus strand). VCF-style: chr6-70281419-G-C. GRCh37 (hg19) VCF-style: chr6-70991122-G-C.
Other names: c.118C>G, p.Pro40Ala (NM_001377289.1, NM_001377290.1, NM_078485.4); c.847C>G, p.Pro283Ala (NM_001377291.1); c.847C>G (NM_001851.4); short protein forms P40A, P283A.
Identifiers: ClinVar variation 1462946 (VCV001462946.7), dbSNP rs1038310229, ClinGen allele CA140819865.

ClinVar aggregate classification (germline): Uncertain significance. Review status: criteria provided, multiple submitters, no conflicts (2 of 4 stars). 2 submissions from 2 submitters: Uncertain significance (2). Last evaluated 2025-02-03.

Conditions:
Inborn genetic diseases. Identifiers: MedGen C0950123, MeSH D030342.

gnomAD v4.1: 5 of 1,613,646 alleles (0.00031%); highest among the groups gnomAD compares: Non-Finnish European, 0.00025%; no homozygotes.

Submissions (2):

Labcorp Genetics (formerly Invitae), Labcorp
Classification: Uncertain significance. Last evaluated: 2025-02-03. Review status: criteria provided, single submitter. Criteria: Invitae Variant Classification Sherloc (09022015). Collection method: clinical testing. Allele origin: germline.
Comment: This sequence change replaces proline, which is neutral and non-polar, with alanine, which is neutral and non-polar, at codon 283 of the COL9A1 protein (p.Pro283Ala). This variant is not present in population databases (gnomAD no frequency). This variant has not been reported in the literature in individuals affected with COL9A1-related conditions. ClinVar contains an entry for this variant (Variation ID: 1462946). Invitae Evidence Modeling of protein sequence and biophysical properties (such as structural, functional, and spatial information, amino acid conservation, physicochemical variation, residue mobility, and thermodynamic stability) indicates that this missense variant is not expected to disrupt COL9A1 protein function with a negative predictive value of 95%. In summary, the available evidence is currently insufficient to determine the role of this variant in disease. Therefore, it has been classified as a Variant of Uncertain Significance.

Ambry Genetics
Classification: Uncertain significance for Inborn genetic diseases. Last evaluated: 2023-03-23. Review status: criteria provided, single submitter. Criteria: Ambry Variant Classification Scheme 2023. Collection method: clinical testing. Allele origin: germline.